The following is an entry in ClinVar:

ClinVar aggregate classification (germline): Conflicting classifications of pathogenicity. Review status: criteria provided, conflicting classifications (1 of 4 stars). 2 submissions from 2 submitters: Likely pathogenic (1); Uncertain significance (1). Last evaluated 2025-08-27.

Conditions:
Hypertrophic cardiomyopathy 7. Also called: TNNI3-Related Familial Hypertrophic Cardiomyopathy; Familial hypertrophic cardiomyopathy 7; CARDIOMYOPATHY, FAMILIAL HYPERTROPHIC, 7, MODIFIER OF. Identifiers: MedGen C1860752, MONDO:0013369, OMIM 613690.

Submissions (2):

Institute of Immunology and Genetics Kaiserslautern
Classification: Likely pathogenic for Hypertrophic cardiomyopathy 7. Last evaluated: 2025-08-27. Review status: criteria provided, single submitter. Criteria: ACMG Guidelines, 2015. Collection method: clinical testing. Allele origin: germline. Affected: yes.
Comment: ACMG Criteria: PM1, PM2_P, PM5, PP3; Variant was found in heterozygous state.

Blueprint Genetics
Classification: Uncertain significance. Last evaluated: 2018-06-01. Review status: criteria provided, single submitter. Criteria: ACMG Guidelines, 2015. Collection method: clinical testing. Allele origin: germline.

NM_000363.5(TNNI3):c.563T>G (p.Val188Gly)

Gene: TNNI3 (troponin I3, cardiac type; minus strand). Cytogenetic location: 19q13.42.
Variant type: single nucleotide variant.
Coding change: c.563T>G on transcript NM_000363.5 (MANE Select); coding-DNA position 563, T replaced by G.
Protein change: p.Val188Gly; replaces valine 188 with glycine.
Molecular consequence: missense variant.
Genome position (GRCh38, 1-based): chr19:55,151,904, A>C on the plus strand (T>G on the coding strand, the complement: TNNI3 is on the minus strand). VCF-style: chr19-55151904-A-C. GRCh37 (hg19) VCF-style: chr19-55663272-A-C.
Other names: short protein forms V188G.
Identifiers: ClinVar variation 4279105 (VCV004279105.2).
Genomic context (GRCh38, chr19:55,151,904, plus strand): 5'-AACTTTTTCTTGCGGCCCTCCATTCCACTCAGTGCATCGATGTTCTTGCGCCAGTCTCCC[A>C]CCTCCCGGTTTTCCTGGAGGATGGCGATGAGTCAGAGGTTAGGGTCTCTTCTTGGTCTCC-3'
Protein context (NP_000354.4, residues 178-198): KEDTEKENRE[Val188Gly]GDWRKNIDAL